The following is an entry in ClinVar:

NM_001283009.2(RTEL1):c.3271G>A (p.Asp1091Asn)

Genes: RTEL1 (regulator of telomere elongation helicase 1; plus strand), RTEL1-TNFRSF6B (RTEL1-TNFRSF6B readthrough (NMD candidate); plus strand). Cytogenetic location: 20q13.33.
Variant type: single nucleotide variant.
Coding change: c.3271G>A on transcript NM_001283009.2 (MANE Select); coding-DNA position 3271, G replaced by A.
Protein change: p.Asp1091Asn; replaces aspartic acid 1091 with asparagine.
Molecular consequence: missense variant. On other transcripts: non-coding transcript variant (1).
Genome position (GRCh38, 1-based): chr20:63,694,902, G>A. VCF-style: chr20-63694902-G-A. GRCh37 (hg19) VCF-style: chr20-62326255-G-A.
Other names: c.3343G>A (NM_032957.4); c.2602G>A, p.Asp868Asn (NM_001283010.1); c.3271G>A, p.Asp1091Asn (NM_016434.4); c.3343G>A, p.Asp1115Asn (NM_032957.5); short protein forms D868N, D1091N, D1115N.
Identifiers: ClinVar variation 2180773 (VCV002180773.5), dbSNP rs559104198, ClinGen allele CA9965930.

ClinVar aggregate classification (germline): Uncertain significance. Review status: criteria provided, multiple submitters, no conflicts (2 of 4 stars). 3 submissions from 3 submitters: Uncertain significance (3). Last evaluated 2026-01-05.

Conditions:
Inborn genetic diseases. Identifiers: MedGen C0950123, MeSH D030342.
Pulmonary fibrosis and/or bone marrow failure, Telomere-related, 3. Also called: PULMONARY FIBROSIS AND/OR BONE MARROW FAILURE SYNDROME, TELOMERE-RELATED, 3. Identifiers: Orphanet 2032, MedGen C4225346, MONDO:0014613, OMIM 616373.
Dyskeratosis congenita, autosomal recessive 5 (DKCB5). Identifiers: MedGen C3554656, MONDO:0014076, OMIM 615190.

Allele frequency attached by ClinVar (database versions not stated): gnomAD 0.00007; ExAC 0.00014; 1000 Genomes Project 30x 0.00016; 1000 Genomes Project 0.00020.
gnomAD v4.1: 92 of 1,612,628 alleles (0.0057%); highest among the groups gnomAD compares: South Asian, 0.078%; 1 homozygote.

Submissions (3):

Labcorp Genetics (formerly Invitae), Labcorp
Classification: Uncertain significance for Dyskeratosis congenita, autosomal recessive 5; Pulmonary fibrosis and/or bone marrow failure, Telomere-related, 3. Last evaluated: 2026-01-05. Review status: criteria provided, single submitter. Criteria: Invitae Variant Classification Sherloc (09022015). Collection method: clinical testing. Allele origin: germline.
Comment: This sequence change replaces aspartic acid, which is acidic and polar, with asparagine, which is neutral and polar, at codon 1091 of the RTEL1 protein (p.Asp1091Asn). This variant is present in population databases (rs559104198, gnomAD 0.08%). This variant has not been reported in the literature in individuals affected with RTEL1-related conditions. ClinVar contains an entry for this variant (Variation ID: 2180773). An algorithm developed to predict the effect of missense changes on protein structure and function outputs the following: PolyPhen-2: "Benign". The asparagine amino acid residue is found in multiple mammalian species, which suggests that this missense change does not adversely affect protein function. In summary, the available evidence is currently insufficient to determine the role of this variant in disease. Therefore, it has been classified as a Variant of Uncertain Significance.

Ambry Genetics
Classification: Uncertain significance for Inborn genetic diseases. Last evaluated: 2024-12-28. Review status: criteria provided, single submitter. Criteria: Ambry Variant Classification Scheme 2023. Collection method: clinical testing. Allele origin: germline.
Comment: The p.D1091N variant (also known as c.3271G>A), located in coding exon 31 of the RTEL1 gene, results from a G to A substitution at nucleotide position 3271. The aspartic acid at codon 1091 is replaced by asparagine, an amino acid with highly similar properties. This amino acid position is conserved. In addition, this alteration is predicted to be tolerated by in silico analysis. Based on the available evidence, the clinical significance of this variant remains unclear.

GeneDx
Classification: Uncertain significance. Last evaluated: 2024-11-14. Review status: criteria provided, single submitter. Criteria: GeneDx Variant Classification Process June 2021. Collection method: clinical testing. Allele origin: germline. Affected: yes.
Comment: In silico analysis indicates that this missense variant does not alter protein structure/function; Has not been previously published as pathogenic or benign to our knowledge